The following is an entry in ClinVar:

NM_015102.5(NPHP4):c.1238T>C (p.Ile413Thr)

Gene: NPHP4 (nephrocystin 4; minus strand). Cytogenetic location: 1p36.31.
Variant type: single nucleotide variant.
Coding change: c.1238T>C on transcript NM_015102.5 (MANE Select); coding-DNA position 1238, T replaced by C.
Protein change: p.Ile413Thr; replaces isoleucine 413 with threonine.
Molecular consequence: missense variant. On other transcripts: 5 prime UTR variant (2), non-coding transcript variant (1).
Genome position (GRCh38, 1-based): chr1:5,933,211, A>G on the plus strand (T>C on the coding strand, the complement: NPHP4 is on the minus strand). VCF-style: chr1-5933211-A-G. GRCh37 (hg19) VCF-style: chr1-5993271-A-G.
Other names: c.-129T>C (NM_001291593.2, NM_001291594.2); c.1238T>C (NM_015102.3); short protein forms I413T.
Identifiers: ClinVar variation 593141 (VCV000593141.13), dbSNP rs373614448, ClinGen allele CA554592.

ClinVar aggregate classification (germline): Conflicting classifications of pathogenicity. Review status: criteria provided, conflicting classifications (1 of 4 stars). 5 submissions from 5 submitters: Uncertain significance (4); Likely benign (1). Last evaluated 2024-12-02.

Conditions:
Inborn genetic diseases. Identifiers: MedGen C0950123, MeSH D030342.
Nephronophthisis 4 (NPHP4). Also called: NEPHRONOPHTHISIS 4, JUVENILE. Identifiers: Orphanet 655, MedGen C1847013, MONDO:0011752, OMIM 606966.
Senior-Loken syndrome 4 (SLSN4). Identifiers: Orphanet 3156, MedGen C1846979, MONDO:0011756, OMIM 606996.
Nephronophthisis. Also called: Juvenile Nephronophthisis. Identifiers: Orphanet 655, MedGen C0687120, MONDO:0019005, HP:0000090.

Allele frequency attached by ClinVar (database versions not stated): ExAC 0.00007; gnomAD 0.00007 and 0.00006; ESP Exome Variant Server 0.00008; gnomAD exomes 0.00008; TOPMed 0.00004.
gnomAD v4.1: 119 of 1,613,762 alleles (0.0074%); highest among the groups gnomAD compares: Non-Finnish European, 0.0092%; 1 homozygote.

Submissions (5):

Labcorp Genetics (formerly Invitae), Labcorp
Classification: Uncertain significance for Nephronophthisis. Last evaluated: 2024-12-02. Review status: criteria provided, single submitter. Criteria: Invitae Variant Classification Sherloc (09022015). Collection method: clinical testing. Allele origin: germline.
Comment: This sequence change replaces isoleucine, which is neutral and non-polar, with threonine, which is neutral and polar, at codon 413 of the NPHP4 protein (p.Ile413Thr). This variant is present in population databases (rs373614448, gnomAD 0.02%), including at least one homozygous and/or hemizygous individual. This variant has not been reported in the literature in individuals affected with NPHP4-related conditions. ClinVar contains an entry for this variant (Variation ID: 593141). Invitae Evidence Modeling of protein sequence and biophysical properties (such as structural, functional, and spatial information, amino acid conservation, physicochemical variation, residue mobility, and thermodynamic stability) indicates that this missense variant is not expected to disrupt NPHP4 protein function with a negative predictive value of 80%. In summary, the available evidence is currently insufficient to determine the role of this variant in disease. Therefore, it has been classified as a Variant of Uncertain Significance.

Blueprint Genetics
Classification: Uncertain significance. Last evaluated: 2024-10-29. Review status: criteria provided, single submitter. Criteria: ACMG Guidelines, 2015. Collection method: clinical testing. Allele origin: germline.

Fulgent Genetics
Classification: Likely benign for Nephronophthisis 4; Senior-Loken syndrome 4. Last evaluated: 2024-02-17. Review status: criteria provided, single submitter. Criteria: ACMG Guidelines, 2015. Collection method: clinical testing. Allele origin: germline.

Ambry Genetics
Classification: Uncertain significance for Inborn genetic diseases. Last evaluated: 2021-10-13. Review status: criteria provided, single submitter. Criteria: Ambry Variant Classification Scheme 2023. Collection method: clinical testing. Allele origin: germline.

Eurofins Ntd Llc (ga)
Classification: Uncertain significance. Last evaluated: 2017-07-07. Review status: criteria provided, single submitter. Criteria: EGL Classification Definitions 2015. Collection method: clinical testing. Allele origin: germline. Observed: 1 variant allele, 1 heterozygote.